The following is an entry in ClinVar:

NM_001365536.1(SCN9A):c.5874_5877dup (p.Ser1960Ter)

Genes: SCN9A (sodium voltage-gated channel alpha subunit 9; minus strand), SCN1A-AS1 (SCN1A and SCN9A antisense RNA 1; plus strand). Cytogenetic location: 2q24.3.
Variant type: Duplication.
Coding change: c.5874_5877dup on transcript NM_001365536.1 (MANE Select); coding-DNA positions 5874 to 5877, 4 bases duplicated (TGAT; older notation c.5874_5877dupTGAT).
Protein change: p.Ser1960Ter; replaces serine 1960 with a stop codon.
Molecular consequence: nonsense. On other transcripts: frameshift variant (1).
Genome position (GRCh38, 1-based): chr2:166,198,762-166,198,765, ATCA duplicated on the plus strand (TGAT on the coding strand, the reverse complement: SCN9A is on the minus strand). VCF-style (leftmost placement, unchanged base first): chr2-166198761-T-TATCA. GRCh37 (hg19) VCF-style: chr2-167055271-T-TATCA.
Other names: c.5841_5844dup, p.Ser1949Terfs (NM_002977.4); short protein forms S1949*, S1960*.
Identifiers: ClinVar variation 2948375 (VCV002948375.3), dbSNP rs1693325745, ClinGen allele CA1304929121.

ClinVar aggregate classification (germline): Uncertain significance (1 of 4 stars; one submission).

Conditions:
Neuropathy, hereditary sensory and autonomic, type 2A (HSAN2A). Also called: ACROOSTEOLYSIS, GIACCAI TYPE; ACROOSTEOLYSIS, NEUROGENIC; MORVAN DISEASE; NEUROPATHY, CONGENITAL SENSORY; NEUROPATHY, HEREDITARY SENSORY RADICULAR, AUTOSOMAL RECESSIVE; NEUROPATHY, HEREDITARY SENSORY, TYPE IIA. Identifiers: Orphanet 970, MedGen C2752089, MONDO:0024309, OMIM 201300.
Generalized epilepsy with febrile seizures plus, type 7 (GEFSP7). Also called: GEFS+, TYPE 7. Identifiers: Orphanet 36387, MedGen C2751778, MONDO:0013470, OMIM 613863.

Allele frequency attached by ClinVar (database versions not stated): gnomAD exomes below 0.00001; TOPMed below 0.00001.

Submission:

Labcorp Genetics (formerly Invitae), Labcorp
Classification: Uncertain significance for Neuropathy, hereditary sensory and autonomic, type 2A; Generalized epilepsy with febrile seizures plus, type 7. Last evaluated: 2023-05-30. Review status: criteria provided, single submitter. Criteria: Invitae Variant Classification Sherloc (09022015). Collection method: clinical testing. Allele origin: germline.
Comment: This variant is not present in population databases (gnomAD no frequency). In summary, the available evidence is currently insufficient to determine the role of this variant in disease. Therefore, it has been classified as a Variant of Uncertain Significance. This variant disrupts a region of the SCN9A protein in which other variant(s) (p.Tyr1958Cys) have been observed in individuals with SCN9A-related conditions (PMID: 32062735). This suggests that this is a clinically significant region of the protein, and that variants that disrupt it are likely to be disease-causing. Experimental studies and prediction algorithms are not available or were not evaluated, and the functional significance of this variant is currently unknown. This variant has not been reported in the literature in individuals affected with SCN9A-related conditions. This sequence change creates a premature translational stop signal (p.Ser1949*) in the SCN9A gene. While this is not anticipated to result in nonsense mediated decay, it is expected to disrupt the last 29 amino acid(s) of the SCN9A protein.

Literature cited by the submitters: PubMed 32062735.